The following is an entry in ClinVar:

ClinVar aggregate classification (germline): Conflicting classifications of pathogenicity. Review status: criteria provided, conflicting classifications (1 of 4 stars). 2 submissions from 2 submitters: Likely pathogenic (1); Uncertain significance (1). Last evaluated 2021-12-11.

Conditions:
Rod-cone dystrophy. Identifiers: MedGen C4551714, HP:0000510.

Submissions (2):

Labcorp Genetics (formerly Invitae), Labcorp
Classification: Uncertain significance. Last evaluated: 2021-12-11. Review status: criteria provided, single submitter. Criteria: Invitae Variant Classification Sherloc (09022015). Collection method: clinical testing. Allele origin: germline.
Comment: This sequence change creates a premature translational stop signal (p.Asn370Lysfs*2) in the IFT88 gene. It is expected to result in an absent or disrupted protein product. However, the current clinical and genetic evidence is not sufficient to establish whether loss-of-function variants in IFT88 cause disease. This variant is not present in population databases (gnomAD no frequency). This variant has not been reported in the literature in individuals affected with IFT88-related conditions. ClinVar contains an entry for this variant (Variation ID: 1065744). In summary, the available evidence is currently insufficient to determine the role of this variant in disease. Therefore, it has been classified as a Variant of Uncertain Significance.

Ocular Genomics Institute, Massachusetts Eye and Ear
Classification: Likely pathogenic for Rod-cone dystrophy. Last evaluated: 2021-04-08. Review status: criteria provided, single submitter. Criteria: ACMG Guidelines, 2015. Collection method: research. Allele origin: germline. Affected: yes.
Comment: Through a review of available evidence we were able to apply the following criteria: PVS1, PM2. Based on this evidence we have classified this variant as Likely Pathogenic.

NM_006531.5(IFT88):c.1082dup (p.Asn361fs)

Gene: IFT88 (intraflagellar transport 88; plus strand). Cytogenetic location: 13q12.11.
Variant type: Duplication.
Coding change: c.1082dup on transcript NM_006531.5 (MANE Select); coding-DNA position 1082, one base duplicated (A; older notation c.1082dupA).
Protein change: p.Asn361fs; shifts the reading frame from asparagine 361.
Molecular consequence: frameshift variant. On other transcripts: non-coding transcript variant (5).
Genome position (GRCh38, 1-based): chr13:20,605,075, A duplicated; the last of 6 consecutive A bases (chr13:20,605,070-20,605,075); duplicating any one gives the same sequence. VCF-style (leftmost placement, unchanged base first): chr13-20605069-T-TA. GRCh37 (hg19) VCF-style: chr13-21179208-T-TA.
Other names: c.1025dup, p.Asn342fs (NM_001318491.2, NM_001353573.2, NM_001353575.2); c.1109dup, p.Asn370fs (NM_001318493.2, NM_001353565.2, NM_001353566.2 and 2 more transcripts); c.1082dup, p.Asn361fs (NM_001353568.2, NM_001353572.2); c.1007dup, p.Asn336fs (NM_001353569.2, NM_001353570.2, NM_001353576.2 and 1 more transcripts); c.980dup, p.Asn327fs (NM_001353571.2, NM_001353578.2); c.923dup, p.Asn308fs (NM_001353574.2); c.449dup, p.Asn150fs (NM_001353579.2); short protein forms N150fs, N308fs, N327fs, N336fs, N342fs, N361fs, N370fs.
Identifiers: ClinVar variation 1065744 (VCV001065744.7), dbSNP rs1594100988, ClinGen allele CA608587333.